The following is an entry in ClinVar:

ClinVar aggregate classification (germline): Pathogenic/Likely pathogenic. Review status: criteria provided, multiple submitters, no conflicts (2 of 4 stars). 5 submissions from 5 submitters: Pathogenic (1); Likely pathogenic (4). Last evaluated 2025-08-02.

Conditions:
Cardiovascular phenotype. Identifiers: MedGen CN230736.
Dilated cardiomyopathy 1G (CMD1G). Identifiers: Orphanet 154, MedGen C1858763, MONDO:0011400, OMIM 604145.
Autosomal recessive limb-girdle muscular dystrophy type 2J (LGMDR10). Also called: Limb-girdle muscular dystrophy, type 2J; MUSCULAR DYSTROPHY, LIMB-GIRDLE, AUTOSOMAL RECESSIVE 10. Identifiers: Orphanet 140922, MedGen C1837342, MONDO:0012127, OMIM 608807.
Cardiomyopathy (CMYO). Also called: Cardiomyopathies. Identifiers: Orphanet 167848, MedGen C0878544, MONDO:0004994, HP:0001638. Inheritance: Various modes of inheritance.
Primary dilated cardiomyopathy (DCM). Also called: Dilated Cardiomyopathy. Identifiers: Orphanet 217604, MedGen C0007193, MeSH D002311, MONDO:0005021, HP:0001644. Inheritance: Various modes of inheritance.

Allele frequency attached by ClinVar (database versions not stated): gnomAD exomes below 0.00001.
gnomAD v4.1: 2 of 1,613,000 alleles (0.00012%); highest among the groups gnomAD compares: Non-Finnish European, 0.00017%; no homozygotes.

Submissions (5):

Labcorp Genetics (formerly Invitae), Labcorp
Classification: Likely pathogenic for Dilated cardiomyopathy 1G; Autosomal recessive limb-girdle muscular dystrophy type 2J. Last evaluated: 2025-08-02. Review status: criteria provided, single submitter. Criteria: Invitae Variant Classification Sherloc (09022015). Collection method: clinical testing. Allele origin: germline.
Comment: This sequence change creates a premature translational stop signal (p.Trp16873*) in the TTN gene. While this is not anticipated to result in nonsense mediated decay, it is expected to create a truncated TTN protein. This variant is present in population databases (rs397517601, gnomAD 0.0009%). This variant has not been reported in the literature in individuals affected with TTN-related conditions. ClinVar contains an entry for this variant (Variation ID: 47047). This variant is located in the A band of TTN (PMID: 25589632). Truncating variants in this region are significantly overrepresented in patients affected with dilated cardiomyopathy (PMID: 25589632). Truncating variants in this region have also been reported in individuals affected with autosomal recessive centronuclear myopathy (PMID: 23975875). In summary, the currently available evidence indicates that the variant is pathogenic, but additional data are needed to prove that conclusively. Therefore, this variant has been classified as Likely Pathogenic.

Molecular Diagnostic Laboratory for Inherited Cardiovascular Disease, Montreal Heart Institute
Classification: Pathogenic for Cardiovascular phenotype. Last evaluated: 2025-03-13. Review status: criteria provided, single submitter. Criteria: ACMG Guidelines, 2015. Collection method: clinical testing. Allele origin: germline. Affected: yes.
Comment: PVS1, PM2, PP5

Revvity Omics, Revvity
Classification: Likely pathogenic. Last evaluated: 2023-09-13. Review status: criteria provided, single submitter. Criteria: ACMG Guidelines, 2015. Collection method: clinical testing. Allele origin: germline.

CHEO Genetics Diagnostic Laboratory, Children's Hospital of Eastern Ontario
Classification: Likely pathogenic for Cardiomyopathy. Last evaluated: 2021-08-17. Review status: criteria provided, single submitter. Criteria: ACMG Guidelines, 2015. Collection method: clinical testing. Allele origin: germline.

Laboratory for Molecular Medicine, Mass General Brigham Personalized Medicine
Classification: Likely pathogenic for Primary dilated cardiomyopathy. Last evaluated: 2018-03-12. Review status: criteria provided, single submitter. Criteria: LMM Criteria. Collection method: clinical testing. Allele origin: germline. Inheritance: Autosomal dominant inheritance. Observed: 3 variant alleles.
Comment: The p.Trp14305X variant in TTN has been identified in 2 Caucasian adults with DC M. It has also been identified in 1/110718 of European chromosomes by the Genome Aggregation Database (gnomAD; dbSNP rs3975176 01). This nonsense variant leads to a premature termination codon at position 14 305, which is predicted to lead to a truncated or absent protein. Nonsense and other truncating variants in TTN are strongly associated with DCM if they impact the exons encoding for the A-band (Herman 2012, Pugh 2014) and/or are located i n an exon that is highly expressed in the heart (Roberts 2015). The p.Trp14305X variant is located in the A-band in the highly expressed exon 128. In summary, a lthough additional studies are required to fully establish its clinical signific ance, the p.Trp14305X variant is likely pathogenic. ACMG/AMP Criteria applied: P VS1; PM2; PS4_Supporting.

Literature cited by the submitters: PubMed 25589632 (cited by Labcorp Genetics (formerly Invitae), Labcorp); PubMed 23975875 (cited by Labcorp Genetics (formerly Invitae), Labcorp).

NM_001267550.2(TTN):c.50618G>A (p.Trp16873Ter)

Genes: TTN-AS1 (TTN antisense RNA 1; plus strand), TTN (titin; minus strand). Cytogenetic location: 2q31.2.
Variant type: single nucleotide variant.
Coding change: c.50618G>A on transcript NM_001267550.2 (MANE Select); coding-DNA position 50618, G replaced by A.
Protein change: p.Trp16873Ter; replaces tryptophan 16873 with a stop codon.
Molecular consequence: nonsense.
Genome position (GRCh38, 1-based): chr2:178,611,611, C>T on the plus strand (G>A on the coding strand, the complement: TTN is on the minus strand). VCF-style: chr2-178611611-C-T. GRCh37 (hg19) VCF-style: chr2-179476338-C-T.
Other names: c.45695G>A, p.Trp15232Ter (NM_001256850.1); c.23423G>A, p.Trp7808Ter (NM_003319.4); c.23798G>A, p.Trp7933Ter (NM_133432.3); c.23999G>A, p.Trp8000Ter (NM_133437.4); c.42914G>A, p.Trp14305Ter (NM_133378.4); short protein forms W16873*, W14305*, W7808*, W7933*, W15232*, W8000*.
Identifiers: ClinVar variation 47047 (VCV000047047.14), dbSNP rs397517601, ClinGen allele CA261872.
Genomic context (GRCh38, chr2:178,611,611, plus strand): 5'-GGACACATTTCAACATGGTATCCTATGATAGGACTTCCACCATTTTTCTCTGGAGGCTTC[C>T]AAGCAATGGCAATGTGTTTTCTCCCAGCATCAGTCACATGTAGGTCAAGGGGTGGTGAGG-3'